The following is an entry in ClinVar:

ClinVar aggregate classification (germline): Likely benign (1 of 4 stars; one submission).

Conditions:
SEMA3A-related disorder. Also called: SEMA3A-related condition.

gnomAD v4.1: 1 of 1,613,236 alleles (0.000062%); highest among the groups gnomAD compares: Admixed American, 0.0017%; no homozygotes.

Submission:

PreventionGenetics, part of Exact Sciences
Classification: Likely benign for SEMA3A-related condition. Last evaluated: 2026-06-28. Review status: criteria provided, single submitter. Criteria: ACMG Guidelines, 2015. Collection method: clinical testing. Allele origin: germline.
Comment: This variant is classified as likely benign based on ACMG/AMP sequence variant interpretation guidelines (Richards et al. 2015 PMID: 25741868, with internal and published modifications).

NM_006080.3(SEMA3A):c.594C>T (p.Asp198=)

Gene: SEMA3A (semaphorin 3A; minus strand). Cytogenetic location: 7q21.11.
Variant type: single nucleotide variant.
Coding change: c.594C>T on transcript NM_006080.3 (MANE Select); coding-DNA position 594, C replaced by T.
Protein change: p.Asp198=; no amino-acid change (aspartic acid 198 retained).
Molecular consequence: synonymous variant.
Genome position (GRCh38, 1-based): chr7:84,046,397, G>A on the plus strand (C>T on the coding strand, the complement: SEMA3A is on the minus strand). VCF-style: chr7-84046397-G-A. GRCh37 (hg19) VCF-style: chr7-83675713-G-A.
Identifiers: ClinVar variation 4992005 (VCV004992005.1).